The following is an entry in ClinVar:

NM_001113378.2(FANCI):c.3854G>A (p.Arg1285Gln)

Gene: FANCI (FA complementation group I; plus strand). Cytogenetic location: 15q26.1.
Variant type: single nucleotide variant.
Coding change: c.3854G>A on transcript NM_001113378.2 (MANE Select); coding-DNA position 3854, G replaced by A.
Protein change: p.Arg1285Gln; replaces arginine 1285 with glutamine.
Molecular consequence: missense variant.
Genome position (GRCh38, 1-based): chr15:89,315,319, G>A. VCF-style: chr15-89315319-G-A. GRCh37 (hg19) VCF-style: chr15-89858550-G-A.
Other names: NM_001113378.1:c.3854G>A; c.3575G>A, p.Arg1192Gln (NM_001376910.1); c.3854G>A, p.Arg1285Gln (NM_001376911.1); c.3674G>A, p.Arg1225Gln (NM_018193.3); short protein forms R1285Q, R1225Q, R1192Q.
Identifiers: ClinVar variation 972 (VCV000000972.6), dbSNP rs121918163, ClinGen allele CA251642.

ClinVar aggregate classification (germline): Conflicting classifications of pathogenicity. Review status: criteria provided, conflicting classifications (1 of 4 stars). 4 submissions from 4 submitters: Pathogenic (1); Uncertain significance (1). 2 of the submissions do not count toward it. Last evaluated 2024-10-21.

Conditions:
Fanconi anemia (FA). Also called: Fanconi's anemia. Identifiers: Orphanet 84, MedGen C0015625, MeSH D005199, MONDO:0019391.
Fanconi anemia complementation group I (FANCI). Also called: FANCI-Related Fanconi Anemia. Identifiers: Orphanet 84, MedGen C1836861, MONDO:0012186, OMIM 609053.

Submissions (4):

Labcorp Genetics (formerly Invitae), Labcorp
Classification: Uncertain significance for Fanconi anemia. Last evaluated: 2024-10-21. Review status: criteria provided, single submitter. Criteria: Invitae Variant Classification Sherloc (09022015). Collection method: clinical testing. Allele origin: germline.
Comment: This sequence change replaces arginine, which is basic and polar, with glutamine, which is neutral and polar, at codon 1285 of the FANCI protein (p.Arg1285Gln). This variant is not present in population databases (gnomAD no frequency). This missense change has been observed in individual(s) with Fanconi anemia (PMID: 17452773). It has also been observed to segregate with disease in related individuals. ClinVar contains an entry for this variant (Variation ID: 972). Invitae Evidence Modeling of protein sequence and biophysical properties (such as structural, functional, and spatial information, amino acid conservation, physicochemical variation, residue mobility, and thermodynamic stability) indicates that this missense variant is expected to disrupt FANCI protein function with a positive predictive value of 80%. Experimental studies have shown that this missense change affects FANCI function (PMID: 17412408, 19561358, 24623813). In summary, the available evidence is currently insufficient to determine the role of this variant in disease. Therefore, it has been classified as a Variant of Uncertain Significance.

Neuberg Centre For Genomic Medicine, NCGM
Classification: Pathogenic for Fanconi anemia complementation group I. Last evaluated: 2023-07-22. Review status: criteria provided, single submitter. Criteria: ACMG Guidelines, 2015. Collection method: clinical testing. Allele origin: germline. Inheritance: Autosomal recessive inheritance. Affected: yes.
Comment: The observed missense c.3854G>Ap.Arg1285Gln variant in the FANCI gene has been reported previously in homozygous state in individuals affected with Fanconi anemia complementation group I Dorsman JC, et al., 2007. Experimental studies demonstrated a harmful effect of this variant on protein function Smogorzewska A, et al., 2007. The p.Arg1285Gln variant is absent in gnomAD Exomes. This variant has been reported to the ClinVar database as Pathogenic. Multiple lines of computational evidences Polyphen - Probably damaging, SIFT - Damaging and MutationTaster - Disease causing predict a damaging effect on protein structure and function for this variant. The amino acid Arg at position 1285 is changed to a Gln changing protein sequence and it might alter its composition and physico-chemical properties. The amino acid change p.Arg1285Gln in FANCI is predicted as conserved by GERP++ and PhyloP across 100 vertebrates. For these reasons, this variant has been classified as Pathogenic. In the absence of another reportable variant, the molecular diagnosis is not confirmed.

Leiden Open Variation Database
Classification: Pathogenic for Fanconi anemia complementation group I. Last evaluated: 2011-02-07. Review status: no assertion criteria provided. Collection method: curation. Allele origin: germline. Affected: yes. Not counted in ClinVar's aggregate classification.
Comment: Curator: Arleen D. Auerbach. Submitter to LOVD: Arleen D. Auerbach.

OMIM
Classification: Pathogenic for FANCONI ANEMIA, COMPLEMENTATION GROUP I. Last evaluated: 2007-04-20. Review status: no assertion criteria provided. Collection method: literature only. Allele origin: germline. Not counted in ClinVar's aggregate classification.

Literature cited by the submitters: PubMed 17452773 (cited by 3 submitters); PubMed 17412408 (cited by 3 submitters); PubMed 19561358 (cited by Labcorp Genetics (formerly Invitae), Labcorp); PubMed 24623813 (cited by Labcorp Genetics (formerly Invitae), Labcorp).